The following is an entry in ClinVar:

ClinVar aggregate classification (germline): Uncertain significance (1 of 4 stars; one submission).

Conditions:
Cardiovascular phenotype. Identifiers: MedGen CN230736.

gnomAD v4.1: 4 of 1,614,076 alleles (0.00025%); highest among the groups gnomAD compares: Non-Finnish European, 0.00025%; no homozygotes.

Submission:

Ambry Genetics
Classification: Uncertain significance for Cardiovascular phenotype. Last evaluated: 2025-01-13. Review status: criteria provided, single submitter. Criteria: Ambry Variant Classification Scheme 2023. Collection method: clinical testing. Allele origin: germline.
Comment: The p.P471S variant (also known as c.1411C>T), located in coding exon 11 of the ABCA1 gene, results from a C to T substitution at nucleotide position 1411. The proline at codon 471 is replaced by serine, an amino acid with similar properties. This amino acid position is not well conserved in available vertebrate species. In addition, this alteration is predicted to be tolerated by in silico analysis. Based on the available evidence, the clinical significance of this variant remains unclear.

NM_005502.4(ABCA1):c.1411C>T (p.Pro471Ser)

Gene: ABCA1 (ATP binding cassette subfamily A member 1; minus strand). Cytogenetic location: 9q31.1.
Variant type: single nucleotide variant.
Coding change: c.1411C>T on transcript NM_005502.4 (MANE Select); coding-DNA position 1411, C replaced by T.
Protein change: p.Pro471Ser; replaces proline 471 with serine.
Molecular consequence: missense variant.
Genome position (GRCh38, 1-based): chr9:104,832,672, G>A on the plus strand (C>T on the coding strand, the complement: ABCA1 is on the minus strand). VCF-style: chr9-104832672-G-A. GRCh37 (hg19) VCF-style: chr9-107594953-G-A.
Other names: short protein forms P471S.
Identifiers: ClinVar variation 3832140 (VCV003832140.1).